The following is an entry in ClinVar:

ClinVar aggregate classification (germline): Likely benign (1 of 4 stars; one submission).

Submission:

CeGaT Center for Human Genetics Tuebingen
Classification: Likely benign. Last evaluated: 2026-08-01. Review status: criteria provided, single submitter. Criteria: CeGaT Center For Human Genetics Tuebingen Variant Classification Criteria Version 2. Collection method: clinical testing. Allele origin: germline. Affected: yes. Observed: 4 variant alleles.
Comment: IRF2BPL: BP4, BP7

NM_024496.4(IRF2BPL):c.279A>C (p.Ala93=)

Genes: IRF2BPL (interferon regulatory factor 2 binding protein like; minus strand), LOC107984638 (uncharacterized LOC107984638; plus strand). Cytogenetic location: 14q24.3.
Variant type: single nucleotide variant.
Coding change: c.279A>C on transcript NM_024496.4 (MANE Select); coding-DNA position 279, A replaced by C.
Protein change: p.Ala93=; no amino-acid change (alanine 93 retained).
Molecular consequence: synonymous variant.
Genome position (GRCh38, 1-based): chr14:77,027,514, T>G on the plus strand (A>C on the coding strand, the complement: IRF2BPL is on the minus strand). VCF-style: chr14-77027514-T-G. GRCh37 (hg19) VCF-style: chr14-77493857-T-G.
Identifiers: ClinVar variation 3257059 (VCV003257059.17).